The following is an entry in ClinVar:

ClinVar aggregate classification (germline): Uncertain significance (1 of 4 stars; one submission).

Allele frequency attached by ClinVar (database versions not stated): gnomAD exomes below 0.00001.
gnomAD v4.1: 3 of 1,614,190 alleles (0.00019%); highest among the groups gnomAD compares: Non-Finnish European, 0.00025%; no homozygotes.

Submission:

Labcorp Genetics (formerly Invitae), Labcorp
Classification: Uncertain significance. Last evaluated: 2023-07-14. Review status: criteria provided, single submitter. Criteria: Invitae Variant Classification Sherloc (09022015). Collection method: clinical testing. Allele origin: germline.
Comment: Advanced modeling of protein sequence and biophysical properties (such as structural, functional, and spatial information, amino acid conservation, physicochemical variation, residue mobility, and thermodynamic stability) performed at Invitae indicates that this missense variant is expected to disrupt TWNK protein function. In summary, the available evidence is currently insufficient to determine the role of this variant in disease. Therefore, it has been classified as a Variant of Uncertain Significance. This variant has not been reported in the literature in individuals affected with TWNK-related conditions. This variant is present in population databases (no rsID available, gnomAD 0.0009%). This sequence change replaces leucine, which is neutral and non-polar, with histidine, which is basic and polar, at codon 483 of the TWNK protein (p.Leu483His).

NM_021830.5(TWNK):c.1448T>A (p.Leu483His)

Gene: TWNK (twinkle mtDNA helicase; plus strand). Cytogenetic location: 10q24.31.
Variant type: single nucleotide variant.
Coding change: c.1448T>A on transcript NM_021830.5 (MANE Select); coding-DNA position 1448, T replaced by A.
Protein change: p.Leu483His; replaces leucine 483 with histidine.
Molecular consequence: missense variant. On other transcripts: non-coding transcript variant (5).
Genome position (GRCh38, 1-based): chr10:100,989,848, T>A. VCF-style: chr10-100989848-T-A. GRCh37 (hg19) VCF-style: chr10-102749605-T-A.
Other names: c.1448T>A, p.Leu483His (NM_001163812.2); c.86T>A, p.Leu29His (NM_001163813.2, NM_001163814.2, NM_001368275.1); short protein forms L29H, L483H.
Identifiers: ClinVar variation 2854231 (VCV002854231.3), dbSNP rs1202292107, ClinGen allele CA378210927.